The following continues an entry in ClinVar:

NM_018062.4(FANCL):c.1007_1009del (p.Ile336_Cys337delinsSer)

Gene: FANCL. ClinVar aggregate classification (germline): Conflicting classifications of pathogenicity. Pathogenic (3); Likely pathogenic (9); Uncertain significance (4).

Submissions 9 to 19 of 19:

St. Jude Molecular Pathology, St. Jude Children's Research Hospital
Classification: Uncertain significance for Fanconi anemia complementation group L. Last evaluated: 2024-01-02. Review status: criteria provided, single submitter. Criteria: St. Jude Assertion Criteria 2020. Collection method: clinical testing. Allele origin: germline.
Comment: The FANCL c.1022_1024del (p.Ile341_Cys342delinsSer) change involves the deletion of three nucleotides at positions 1022-1024 within the RING domain of exon 12, leading to the replacement of two amino acid residues, Ile341 and Cys342, with a serine. This variant has a maximum subpopulation frequency of 0.062% in gnomAD v2.1.1. Algorithms that predict the impact of sequence changes on splicing indicate that this variant does not affect splicing. An in-vitro assay using a FANCL-deficient cell line showed that the mutated FANCL expression was unable to rescue the phenotype of G2/M cell cycle arrest, showed absence of mono-ubiquitination with FANCD2 thereby failing to activate downstream components of DNA repair pathway, and showed increased sensitivity to mitomycin C (PMID: 19405097). While these findings implicate loss of FANCL function, it is imperative to note the absence of a positive control, thus limiting definitive functional evidence. This variant was reported as compound heterozygous in an individual with Fanconi anemia co-occurring with a deep intronic variant (c.375-2033C>G) with apparent splicing effect (PMID: 23613520). It was also reported in an individual lacking typical phenotypic features corresponding to Fanconi anemia and reported as compound heterozygote with a likely non-deleterious variant (p.Thr367Asnfs*13) (PMID: 19405097). Other studies detected this variant in individuals with precursor B-cell lymphoblastic leukemia, MSI-colorectal cancer, and breast cancer (PMID: 33332384, 36119527, 36356413). This variant is also known as p.Ile336_Cys337delinsSer in the literature. In summary, the evidence currently available is insufficient to determine the clinical significance of this variant. It has therefore been classified as of uncertain significance.

Institute for Clinical Genetics, University Hospital TU Dresden, University Hospital TU Dresden
Classification: Uncertain significance. Last evaluated: 2021-11-03. Review status: criteria provided, single submitter. Criteria: ACMG Guidelines, 2015. Collection method: clinical testing. Allele origin: germline.

Center for Genomics, Ann and Robert H. Lurie Children's Hospital of Chicago
Classification: Likely pathogenic for Fanconi anemia complementation group L. Last evaluated: 2021-10-01. Review status: criteria provided, single submitter. Criteria: ACMG Guidelines, 2015. Collection method: clinical testing. Allele origin: germline.
Comment: FANCL NM_018062.3 exon 12 p.Ile336_Cys337delinsSer (c.1007_1009del): This variant has been reported in the literature in the compound heterozygous state in 2 individuals diagnosed with Fanconi anemi (FA), including one in trans with a pathogenic variant (Ali 2009 PMID:19405097; Chandrasekharappa 2013 PMID:23613520). Of note, one individual did not have clinical features typical of FA (Ali 2009 PMID:19405097). This variant has also been reported in the heterozygous state in an individual with bone marrow failure and short telomeres (Zhang 2015 PMID:25239263). This variant is present in 0.06% (41/67840) of European alleles in the Genome Aggregation Database. Please note, disease causing variants may be present in control databases at low frequencies, reflective of the general population, carrier status, and/or variable expressivity. This variant is present in ClinVar, with classifications ranging from Uncertain significance to pathogenic (Variation ID:241247). Evolutionary conservation and computational predictive tools for this variant are limited or unavailable. In vitro functional studies predict that this variant will impact the protein (Ali 2009 PMID:19405097). However, these studies may not accurately represent in vivo biological function. This variant represents an in-frame deletion, with 2 amino acids at positions 336 (Isoleucine) and 337 (Cysteine) removed and replaced by a Serine, and is not predicted to alter the reading frame. In summary, data on this variant is highly suspicious for disease, but requires further evidence for pathogenicity. Therefore, this variant is classified as likely pathogenic.

Fulgent Genetics
Classification: Likely pathogenic for Fanconi anemia complementation group L. Last evaluated: 2021-06-30. Review status: criteria provided, single submitter. Criteria: ACMG Guidelines, 2015. Collection method: clinical testing. Allele origin: unknown.
Comment: This variant has been detected in individual(s) who were sent for testing of Renasight - kidney gene panel.

Laboratory for Molecular Medicine, Mass General Brigham Personalized Medicine
Classification: Likely pathogenic for Fanconi anemia. Last evaluated: 2019-01-04. Review status: criteria provided, single submitter. Criteria: LMM Criteria. Collection method: clinical testing. Allele origin: germline. Inheritance: Autosomal recessive inheritance. Observed: 1 variant allele.
Comment: The p.Ile341_Cys342delinsSer variant in FANCL has been reported in the compound heterozygous state in 2 individuals with Fanconi anemia (Ali 2009, Chandrasekhar appa 2013). It has also been identified in 0.06% (80/128464) of European chromos omes by gnomAD. This variant results in a del etion of 3 base pairs that results in the removal of 2 amino acids and introduct ion of a serine (Ser) at position 341 and is not predicted to alter the protein reading-frame. In vitro functional studies, including a complementation assay, s upport an impact on protein function (Ali 2009). In summary, although additional studies are required to fully establish its clinical significance, this variant meets criteria to be classified as likely pathogenic for autosomal recessive Fa nconi anemia. ACMG/AMP Criteria applied: PM3, PS3_Moderate, PM2_Supporting, PM4_ Supporting.

Illumina Laboratory Services, Illumina
Classification: Likely pathogenic for Fanconi anemia complementation group L. Last evaluated: 2018-10-25. Review status: criteria provided, single submitter. Criteria: ICSL Variant Classification Criteria 09 May 2019. Collection method: clinical testing. Allele origin: germline.
Comment: The FANCL c.1022_1024delTAT (p.Ile341_Cys342delinsSer) variant is an in-frame deletion variant that results in the loss of isoleucine 341 and conversion of cysteine 342 to serine. It has been reported in a compound heterozygous state in two individuals with Fanconi anemia (FA) complementation group L (Ali et al. 2009; Chandrasekharappa et al. 2013) as well as in a cell line derived from an FA patient for whom no additional phenotypic details were available (Raghunandan et al. 2015). Collet et al. (2015) identified the p.Ile341_Cys342delinsSer variant in one of 71 non-cancer control individuals, and the variant is reported at a frequency of 0.000627 in the European American population of the Genome Aggregation Database. Expression of the variant protein in a cell line lacking the FANCL protein was unable to rescue the phenotype of G2/M arrest, absent mono-ubiquitination with FANCD2, increased sensitivity to mitomycin C and a high rate of chromosome breakage, suggesting the variant impairs protein function (Ali et al. 2009).Based on the collective evidence, the p.Ile341_Cys342delinsServariant is classified as likely pathogenic for Fanconi anemia. This variant was observed by ICSL as part of a predisposition screen in an ostensibly healthy population.

Genetic Services Laboratory, University of Chicago
Classification: Pathogenic for Fanconi anemia, complementation group L. Last evaluated: 2015-09-25. Review status: criteria provided, single submitter. Criteria: ACMG Guidelines, 2015. Collection method: clinical testing. Allele origin: germline. Affected: yes.

Neuberg Centre For Genomic Medicine, NCGM
Classification: Pathogenic for Fanconi anemia complementation group L. Review status: criteria provided, single submitter. Criteria: ACMG Guidelines, 2015. Collection method: clinical testing. Allele origin: germline. Inheritance: Autosomal dominant inheritance. Affected: yes.
Comment: The inframe deletion c.1007_1009del p.Ile336_Cys337delinsSer variant in FANCL gene has been observed in compound heterozygous state in individuals with bone marrow failure syndromes and / or Fanconi anemia Guidugli et. al., 2017; Chandrasekharappa et. al., 2013. Experimental studies have shown that this variant affects FANCL function Ali et. al., 2009. The observed variant has allele frequency of 0.03% in gnomAD exomes database. This variant has been submitted to the ClinVar database as Uncertain Significance / Likely Pathogenic / Pathogenic. This p.Ile336_Cys337delinsSer causes deletion of amino acid Isoleucine at position 336 to Cysteine at position 337. For these reasons, this variant has been classified as Pathogenic.

PreventionGenetics, part of Exact Sciences
Classification: Uncertain significance for FANCL-related condition. Last evaluated: 2024-02-19. Review status: no assertion criteria provided. Collection method: clinical testing. Allele origin: germline. Not counted in ClinVar's aggregate classification.
Comment: The FANCL c.1022_1024delTAT variant is predicted to result in an in-frame deletion (p.Ile341_Cys342delinsSer). This variant, also known as c.1007_1009del (p.Ile336_Cys337delinsSer), has been reported in the compound heterozygous state in two individuals with Fanconi anemia (Ali et al. 2009. PubMed ID: 19405097; Chandrasekharappa et al. 2013. PubMed ID: 23613520). This variant was also documented in the heterozygous state in individuals with bone marrow failure or a personal history of breast or ovarian cancer (Table S5, Zhang et al. 2015. PubMed ID: 25239263; Tables S4 & S5, Maxwell et al. 2016. PubMed ID: 27153395; Guidugli et al. 2017. PubMed ID: 28104920). Functional studies suggest that this variant alters cellular function (Ali et al. 2009. PubMed ID: 19405097). This variant is listed in ClinVar with varying interpretations ranging from Pathogenic (2), Likely Pathogenic (7), and Uncertain (4). This variant is reported in 0.062% of alleles in individuals of European (Non-Finnish) descent in gnomAD. While we suspect this variant may be pathogenic, at this time, the clinical significance of this variant is uncertain due to the absence of conclusive functional and genetic evidence.

Reproductive Development, Murdoch Childrens Research Institute
Classification: Uncertain significance for Premature ovarian insufficiency. Last evaluated: 2018-01-10. Review status: no assertion criteria provided. Criteria: ACMG Guidelines, 2015. Collection method: research. Allele origin: germline. Affected: yes. Not counted in ClinVar's aggregate classification.

OMIM
Classification: Pathogenic for FANCONI ANEMIA, COMPLEMENTATION GROUP L. Last evaluated: 2009-07-01. Review status: no assertion criteria provided. Collection method: literature only. Allele origin: germline. Not counted in ClinVar's aggregate classification.

Literature cited by the submitters: PubMed 19405097 (cited by 7 submitters); PubMed 23613520 (cited by 6 submitters); PubMed 25239263 (cited by Dasa and Illumina Laboratory Services, Illumina); PubMed 28104920 (cited by 3 submitters); PubMed 32191290 (cited by Labcorp Genetics (formerly Invitae), Labcorp and Center for Genomic Medicine, Rigshospitalet, Copenhagen University Hospital); PubMed 34308104 (cited by Labcorp Genetics (formerly Invitae), Labcorp); PubMed 35988656 (cited by Labcorp Genetics (formerly Invitae), Labcorp); PubMed 27153395 (cited by 4 submitters); PubMed 31980526 (cited by Women's Health and Genetics/Laboratory Corporation of America, LabCorp); PubMed 25659033 (cited by Women's Health and Genetics/Laboratory Corporation of America, LabCorp and Illumina Laboratory Services, Illumina).